The following is an entry in ClinVar:

NM_016816.4(OAS1):c.584G>C (p.Arg195Thr)

Gene: OAS1 (2'-5'-oligoadenylate synthetase 1; plus strand). Cytogenetic location: 12q24.13.
Variant type: single nucleotide variant.
Coding change: c.584G>C on transcript NM_016816.4 (MANE Select); coding-DNA position 584, G replaced by C.
Protein change: p.Arg195Thr; replaces arginine 195 with threonine.
Molecular consequence: missense variant.
Genome position (GRCh38, 1-based): chr12:112,911,165, G>C. VCF-style: chr12-112911165-G-C. GRCh37 (hg19) VCF-style: chr12-113348970-G-C.
Other names: c.584G>C, p.Arg195Thr (NM_001032409.3, NM_001320151.2, NM_002534.4); c.584G>C (NM_016816.2); short protein forms R195T.
Identifiers: ClinVar variation 1479851 (VCV001479851.7), dbSNP rs1007532999, ClinGen allele CA386803348.

ClinVar aggregate classification (germline): Uncertain significance. Review status: criteria provided, multiple submitters, no conflicts (2 of 4 stars). 2 submissions from 2 submitters: Uncertain significance (2). Last evaluated 2025-05-01.

Submissions (2):

Ambry Genetics
Classification: Uncertain significance. Last evaluated: 2025-05-01. Review status: criteria provided, single submitter. Criteria: Ambry Variant Classification Scheme 2023. Collection method: clinical testing. Allele origin: germline.

Labcorp Genetics (formerly Invitae), Labcorp
Classification: Uncertain significance. Last evaluated: 2024-03-16. Review status: criteria provided, single submitter. Criteria: Invitae Variant Classification Sherloc (09022015). Collection method: clinical testing. Allele origin: germline.
Comment: This sequence change replaces arginine, which is basic and polar, with threonine, which is neutral and polar, at codon 195 of the OAS1 protein (p.Arg195Thr). This variant is present in population databases (no rsID available, gnomAD 0.01%). This variant has not been reported in the literature in individuals affected with OAS1-related conditions. ClinVar contains an entry for this variant (Variation ID: 1479851). An algorithm developed to predict the effect of missense changes on protein structure and function (PolyPhen-2) suggests that this variant is likely to be disruptive. In summary, the available evidence is currently insufficient to determine the role of this variant in disease. Therefore, it has been classified as a Variant of Uncertain Significance.